The following is an entry in ClinVar:

NM_152564.5(VPS13B):c.372A>G (p.Arg124=)

Gene: VPS13B (vacuolar protein sorting 13 homolog B; plus strand). Cytogenetic location: 8q22.2.
Variant type: single nucleotide variant.
Coding change: c.372A>G on transcript NM_152564.5 (MANE Select); coding-DNA position 372, A replaced by G.
Protein change: p.Arg124=; no amino-acid change (arginine 124 retained).
Molecular consequence: synonymous variant. On other transcripts: non-coding transcript variant (1).
Genome position (GRCh38, 1-based): chr8:99,096,392, A>G. VCF-style: chr8-99096392-A-G. GRCh37 (hg19) VCF-style: chr8-100108620-A-G.
Other names: c.372A>G (NM_152564.4); c.372A>G, p.Arg124= (NM_015243.3, NM_017890.5, NM_181661.3).
Identifiers: ClinVar variation 1101815 (VCV001101815.10), dbSNP rs752604752, ClinGen allele CA4822357.
Genomic context (GRCh38, chr8:99,096,392, plus strand): 5'-TTCTAATTCTACCAACCGTAGTACTGCTGAGAGCACAAAATCATCAATCAAACCGCGGAG[A>G]ATGCAGCAGGCTGCTCCTACAGATCCTGACTTACCACCAGGTAACTTCTAATGGGATCAA-3'
Protein context (NP_689777.3, residues 114-134): ESTKSSIKPR[Arg124=]MQQAAPTDPD

ClinVar aggregate classification (germline): Likely benign. Review status: criteria provided, multiple submitters, no conflicts (2 of 4 stars). 2 submissions from 2 submitters: Likely benign (2). Last evaluated 2025-12-23.

Conditions:
VPS13B-related disorder. Also called: VPS13B-related condition.
Cohen syndrome (COH1). Also called: Cutis verticis gyrata, retinitis pigmentosa, and sensorineural deafness; PEPPER SYNDROME. Identifiers: Orphanet 193, MedGen C0265223, MONDO:0008999, OMIM 216550.

Allele frequency attached by ClinVar (database versions not stated): gnomAD exomes below 0.00001; ExAC 0.00001.
gnomAD v4.1: 4 of 1,614,102 alleles (0.00025%); highest among the groups gnomAD compares: South Asian, 0.0033%; no homozygotes.

Submissions (2):

Labcorp Genetics (formerly Invitae), Labcorp
Classification: Likely benign for Cohen syndrome. Last evaluated: 2025-12-23. Review status: criteria provided, single submitter. Criteria: Invitae Variant Classification Sherloc (09022015). Collection method: clinical testing. Allele origin: germline.

PreventionGenetics, part of Exact Sciences
Classification: Likely benign for VPS13B-related condition. Last evaluated: 2025-06-25. Review status: criteria provided, single submitter. Criteria: ACMG Guidelines, 2015. Collection method: clinical testing. Allele origin: germline.
Comment: This variant is classified as likely benign based on ACMG/AMP sequence variant interpretation guidelines (Richards et al. 2015 PMID: 25741868, with internal and published modifications).